The following is an entry in ClinVar:

ClinVar aggregate classification (germline): Uncertain significance (1 of 4 stars; one submission).

Conditions:
Hereditary spastic paraplegia 11. Also called: SPASTIC PARAPLEGIA, AUTOSOMAL RECESSIVE, COMPLICATED, WITH THIN CORPUS CALLOSUM; SPASTIC PARAPLEGIA, AUTOSOMAL RECESSIVE, WITH MENTAL IMPAIRMENT AND THIN CORPUS CALLOSUM; Spastic Paraplegia 11; Nakamura Osame syndrome; Autosomal recessive hereditary spastic paraplegia, mental impairment, and thin corpus callosum; Spastic paraplegia, mental retardation and thin corpus callosum. Identifiers: Orphanet 2822, MedGen C1858479, MONDO:0011445, OMIM 604360.

Submission:

Labcorp Genetics (formerly Invitae), Labcorp
Classification: Uncertain significance for Hereditary spastic paraplegia 11. Last evaluated: 2022-01-06. Review status: criteria provided, single submitter. Criteria: Invitae Variant Classification Sherloc (09022015). Collection method: clinical testing. Allele origin: germline.
Comment: This variant, c.2740_2742del, results in the deletion of 1 amino acid(s) of the SPG11 protein (p.Gln914del), but otherwise preserves the integrity of the reading frame. This variant is present in population databases (rs763096648, gnomAD 0.0009%). This variant has not been reported in the literature in individuals affected with SPG11-related conditions. Experimental studies and prediction algorithms are not available or were not evaluated, and the functional significance of this variant is currently unknown. In summary, the available evidence is currently insufficient to determine the role of this variant in disease. Therefore, it has been classified as a Variant of Uncertain Significance.

NM_025137.4(SPG11):c.2737CAG[1] (p.Gln914del)

Gene: SPG11 (SPG11 vesicle trafficking associated, spatacsin; minus strand). Cytogenetic location: 15q21.1.
Variant type: Microsatellite.
Coding change: c.2737CAG[1] on transcript NM_025137.4 (MANE Select); one copy of the 3-base unit CAG starting at c.2737; the reference has two copies in a row; one copy, 3 bases deleted.
Protein change: p.Gln914del; deletes glutamine 914.
Molecular consequence: inframe deletion.
Genome position (GRCh38, 1-based): chr15:44,620,282-44,620,284, CTG deleted on the plus strand (CAG on the coding strand, the reverse complement: SPG11 is on the minus strand); deleting any 3 consecutive bases within chr15:44,620,282-44,620,287 gives the same sequence; the position shown is the placement nearest the transcript's 3' end. VCF-style (leftmost placement, unchanged base first): chr15-44620281-TCTG-T. GRCh37 (hg19) VCF-style: chr15-44912479-TCTG-T.
Other names: c.2737CAG[1], p.Gln914del (NM_001160227.2); short protein forms Q914del.
Identifiers: ClinVar variation 1357709 (VCV001357709.5), dbSNP rs763096648, ClinGen allele CA270072270.